The following is an entry in ClinVar:

ClinVar aggregate classification (germline): Benign (1 of 4 stars; one submission).

gnomAD v4.1: 20,948 of 152,096 alleles (14%); highest among the groups gnomAD compares: African/African-American, 29%; 2,142 homozygotes.

Submission:

Unidad de Genómica Garrahan, Hospital de Pediatría Garrahan
Classification: Benign. Last evaluated: 2024-07-31. Review status: criteria provided, single submitter. Criteria: ACMG Guidelines, 2015. Collection method: clinical testing. Allele origin: germline. Affected: no. Observed: 26 variant alleles.
Comment: This variant is classified as Benign based on local population frequency. This variant was detected in 28% of patients studied in a panel designed for Epileptic and Developmental Encephalopathy, Progressive Myoclonus Epilepsy and Abnormal Movements and Neurodegeneration with brain iron accumulation. Number of patients: 26. Only high quality variants are reported.

NM_015559.3(SETBP1):c.487-69047T>C

Gene: SETBP1 (SET binding protein 1; plus strand). Cytogenetic location: 18q12.3.
Variant type: single nucleotide variant.
Coding change: c.487-69047T>C on transcript NM_015559.3 (MANE Select); 69047 bases into the intron before coding-DNA position 487, T replaced by C.
Molecular consequence: intron variant.
Genome position (GRCh38, 1-based): chr18:44,800,183, T>C. VCF-style: chr18-44800183-T-C. GRCh37 (hg19) VCF-style: chr18-42380148-T-C.
Other names: c.487-69047T>C (NM_001379141.1, NM_001130110.2, NM_001410862.1 and 1 more transcripts).
Identifiers: ClinVar variation 3256821 (VCV003256821.2).